The following is an entry in ClinVar:

NM_014444.5(TUBGCP4):c.1192C>T (p.Gln398Ter)

Gene: TUBGCP4 (tubulin gamma complex component 4; plus strand). Cytogenetic location: 15q15.3.
Variant type: single nucleotide variant.
Coding change: c.1192C>T on transcript NM_014444.5 (MANE Select); coding-DNA position 1192, C replaced by T.
Protein change: p.Gln398Ter; replaces glutamine 398 with a stop codon.
Molecular consequence: nonsense.
Genome position (GRCh38, 1-based): chr15:43,397,234, C>T. VCF-style: chr15-43397234-C-T. GRCh37 (hg19) VCF-style: chr15-43689432-C-T.
Other names: c.1192C>T, p.Gln398Ter (NM_001286414.3); short protein forms Q398*.
Identifiers: ClinVar variation 1422459 (VCV001422459.6), dbSNP rs2044596519, ClinGen allele CA392131589.

ClinVar aggregate classification (germline): Pathogenic (1 of 4 stars; one submission).

Submission:

Labcorp Genetics (formerly Invitae), Labcorp
Classification: Pathogenic. Last evaluated: 2025-06-30. Review status: criteria provided, single submitter. Criteria: Invitae Variant Classification Sherloc (09022015). Collection method: clinical testing. Allele origin: germline.
Comment: This sequence change creates a premature translational stop signal (p.Gln398*) in the TUBGCP4 gene. It is expected to result in an absent or disrupted protein product. Loss-of-function variants in TUBGCP4 are known to be pathogenic (PMID: 25817018). This variant is not present in population databases (gnomAD no frequency). This variant has not been reported in the literature in individuals affected with TUBGCP4-related conditions. ClinVar contains an entry for this variant (Variation ID: 1422459). Algorithms developed to predict the effect of sequence changes on RNA splicing suggest that this variant may disrupt the consensus splice site. For these reasons, this variant has been classified as Pathogenic.

Literature cited by the submitters: PubMed 25817018.